The following is an entry in ClinVar:

ClinVar aggregate classification (germline): Uncertain significance (1 of 4 stars; one submission).

Submission:

GeneDx
Classification: Uncertain significance. Last evaluated: 2024-01-12. Review status: criteria provided, single submitter. Criteria: GeneDx Variant Classification Process June 2021. Collection method: clinical testing. Allele origin: germline. Affected: yes.
Comment: Not observed at significant frequency in large population cohorts (gnomAD); In silico analysis supports a deleterious effect on splicing; Has not been previously published as pathogenic or benign to our knowledge

NM_001080421.3(UNC13A):c.270+4_270+14del

Gene: UNC13A (unc-13 homolog A; minus strand). Cytogenetic location: 19p13.11.
Variant type: Deletion.
Coding change: c.270+4_270+14del on transcript NM_001080421.3 (MANE Select); bases 4 to 14 of the intron after coding-DNA position 270, 11 bases deleted (AGTGGCGGGTG).
Molecular consequence: splice donor variant.
Genome position (GRCh38, 1-based): chr19:17,672,364-17,672,374, CACCCGCCACT deleted on the plus strand (AGTGGCGGGTG on the coding strand, the reverse complement: UNC13A is on the minus strand); deleting any 11 consecutive bases within chr19:17,672,364-17,672,378 gives the same sequence; the c. name uses the placement nearest the transcript's 3' end. VCF-style (leftmost placement, unchanged base first): chr19-17672363-CCACCCGCCACT-C. GRCh37 (hg19) VCF-style: chr19-17783172-CCACCCGCCACT-C.
Other names: c.270+4_270+14del (NM_001387022.1, NM_001387023.1, NM_001387021.1).
Identifiers: ClinVar variation 3367773 (VCV003367773.1).